The following is an entry in ClinVar:

NM_015978.3(TNNI3K):c.1397A>G (p.His466Arg)

Genes: FPGT-TNNI3K (FPGT-TNNI3K readthrough; plus strand), TNNI3K (TNNI3 interacting kinase; plus strand). Cytogenetic location: 1p31.1.
Variant type: single nucleotide variant.
Coding change: c.1397A>G on transcript NM_015978.3 (MANE Select); coding-DNA position 1397, A replaced by G.
Protein change: p.His466Arg; replaces histidine 466 with arginine.
Molecular consequence: missense variant.
Genome position (GRCh38, 1-based): chr1:74,369,097, A>G. VCF-style: chr1-74369097-A-G. GRCh37 (hg19) VCF-style: chr1-74834781-A-G.
Other names: c.1700A>G, p.His567Arg (NM_001112808.3, NM_001199327.2); short protein forms H466R, H567R.
Identifiers: ClinVar variation 1909460 (VCV001909460.5), dbSNP rs1662446055, ClinGen allele CA340785865.

ClinVar aggregate classification (germline): Uncertain significance (1 of 4 stars; one submission).

gnomAD v4.1: 4 of 1,610,424 alleles (0.00025%); highest among the groups gnomAD compares: Admixed American, 0.0017%; no homozygotes.

Submission:

Labcorp Genetics (formerly Invitae), Labcorp
Classification: Uncertain significance. Last evaluated: 2022-01-11. Review status: criteria provided, single submitter. Criteria: Invitae Variant Classification Sherloc (09022015). Collection method: clinical testing. Allele origin: germline.
Comment: In summary, the available evidence is currently insufficient to determine the role of this variant in disease. Therefore, it has been classified as a Variant of Uncertain Significance. Algorithms developed to predict the effect of sequence changes on RNA splicing suggest that this variant may create or strengthen a splice site. Algorithms developed to predict the effect of missense changes on protein structure and function are either unavailable or do not agree on the potential impact of this missense change (SIFT: "Deleterious"; PolyPhen-2: "Benign"; Align-GVGD: "Class C0"). This variant has not been reported in the literature in individuals affected with TNNI3K-related conditions. This variant is not present in population databases (gnomAD no frequency). This sequence change replaces histidine, which is basic and polar, with arginine, which is basic and polar, at codon 466 of the TNNI3K protein (p.His466Arg).